The following is an entry in ClinVar:

ClinVar aggregate classification (germline): Uncertain significance (1 of 4 stars; one submission).

Conditions:
Autosomal dominant limb-girdle muscular dystrophy type 1G (LGMDD3). Also called: Limb-girdle muscular dystrophy, type 1G; MUSCULAR DYSTROPHY, LIMB-GIRDLE, AUTOSOMAL DOMINANT 3. Identifiers: Orphanet 55596, MedGen C1836765, MONDO:0012193, OMIM 609115.

Submission:

Labcorp Genetics (formerly Invitae), Labcorp
Classification: Uncertain significance for Autosomal dominant limb-girdle muscular dystrophy type 1G. Last evaluated: 2025-10-09. Review status: criteria provided, single submitter. Criteria: Invitae Variant Classification Sherloc (09022015). Collection method: clinical testing. Allele origin: germline.
Comment: This sequence change replaces threonine, which is neutral and polar, with proline, which is neutral and non-polar, at codon 107 of the HNRNPDL protein (p.Thr107Pro). This variant is not present in population databases (gnomAD no frequency). This variant has not been reported in the literature in individuals affected with HNRNPDL-related conditions. An algorithm developed to predict the effect of missense changes on protein structure and function (PolyPhen-2) suggests that this variant is likely to be tolerated. In summary, the available evidence is currently insufficient to determine the role of this variant in disease. Therefore, it has been classified as a Variant of Uncertain Significance.

NM_031372.4(HNRNPDL):c.319A>C (p.Thr107Pro)

Gene: HNRNPDL (heterogeneous nuclear ribonucleoprotein D like; minus strand). Cytogenetic location: 4q21.22.
Variant type: single nucleotide variant.
Coding change: c.319A>C on transcript NM_031372.4 (MANE Select); coding-DNA position 319, A replaced by C.
Protein change: p.Thr107Pro; replaces threonine 107 with proline.
Molecular consequence: missense variant. On other transcripts: non-coding transcript variant (1).
Genome position (GRCh38, 1-based): chr4:82,429,372, T>G on the plus strand (A>C on the coding strand, the complement: HNRNPDL is on the minus strand). VCF-style: chr4-82429372-T-G. GRCh37 (hg19) VCF-style: chr4-83350525-T-G.
Other names: c.319A>C, p.Thr107Pro (NM_001207000.1); short protein forms T107P.
Identifiers: ClinVar variation 4775230 (VCV004775230.1).
Genomic context (GRCh38, chr4:82,429,372, plus strand): 5'-TGTACTCGTTCATATCCTCCATAGTGACGGAGCTGTCGGCAGGGGGGTGCTGGCGCGCAG[T>G]CCGGGTCGCGGCAGCAGCGGCGGCGGAGCGTTGTATGGAGCTGGATTTAAAATGGCGGCG-3'
Protein context (NP_112740.1, residues 97-117): RSAAAAAATR[Thr107Pro]ARQHPPADSS